The following is an entry in ClinVar:

NM_001035.3(RYR2):c.6647A>G (p.Asp2216Gly)

Gene: RYR2 (ryanodine receptor 2; plus strand). Cytogenetic location: 1q43.
Variant type: single nucleotide variant.
Coding change: c.6647A>G on transcript NM_001035.3 (MANE Select); coding-DNA position 6647, A replaced by G.
Protein change: p.Asp2216Gly; replaces aspartic acid 2216 with glycine.
Molecular consequence: missense variant.
Genome position (GRCh38, 1-based): chr1:237,633,669, A>G. VCF-style: chr1-237633669-A-G. GRCh37 (hg19) VCF-style: chr1-237796969-A-G.
Other names: short protein forms D2216G.
Identifiers: ClinVar variation 1499030 (VCV001499030.9), dbSNP rs1328318082, ClinGen allele CA345394257.

ClinVar aggregate classification (germline): Likely pathogenic. Review status: criteria provided, multiple submitters, no conflicts (2 of 4 stars). 2 submissions from 2 submitters: Likely pathogenic (2). Last evaluated 2025-01-23.

Conditions:
Catecholaminergic polymorphic ventricular tachycardia 1. Also called: VENTRICULAR TACHYCARDIA, CATECHOLAMINERGIC POLYMORPHIC, 1, WITH OR WITHOUT ATRIAL DYSFUNCTION AND/OR DILATED CARDIOMYOPATHY; RYR2-Related Catecholaminergic Polymorphic Ventricular Tachycardia; VENTRICULAR TACHYCARDIA, STRESS-INDUCED POLYMORPHIC 1. Identifiers: Orphanet 3286, MedGen C1631597, MONDO:0011484, OMIM 604772.

Submissions (2):

Dasa
Classification: Likely pathogenic. Last evaluated: 2025-01-23. Review status: criteria provided, single submitter. Criteria: DASA Assertion Criteria. Collection method: clinical testing. Allele origin: germline.
Comment: NM_001035.3(RYR2):c.6647A>G (p.Asp2216Gly) is a missense variant that results in the substitution of aspartic acid with glycine. The affected residue or protein region has prior evidence supporting clinical relevance. This variant has been recurrently observed in individuals with RYR2-related disorders (PMID: 29453246; PMID: 30546525; PMID: 32218223; PMID: 31737537). Segregation data support an association with disease in the reported family/families (PMID: 30546525). Also, this variant is absent from population databases. Computational evidence supports a deleterious effect. Based on the currently available evidence, this variant is classified as likely pathogenic.

Labcorp Genetics (formerly Invitae), Labcorp
Classification: Likely pathogenic for Catecholaminergic polymorphic ventricular tachycardia 1. Last evaluated: 2021-12-15. Review status: criteria provided, single submitter. Criteria: Invitae Variant Classification Sherloc (09022015). Collection method: clinical testing. Allele origin: germline.
Comment: This variant is not present in population databases (gnomAD no frequency). This sequence change replaces aspartic acid, which is acidic and polar, with glycine, which is neutral and non-polar, at codon 2216 of the RYR2 protein (p.Asp2216Gly). In summary, the currently available evidence indicates that the variant is pathogenic, but additional data are needed to prove that conclusively. Therefore, this variant has been classified as Likely Pathogenic. This variant disrupts the p.Asp2216 amino acid residue in RYR2. Other variant(s) that disrupt this residue have been determined to be pathogenic (Invitae). This suggests that this residue is clinically significant, and that variants that disrupt this residue are likely to be disease-causing. Advanced modeling of protein sequence and biophysical properties (such as structural, functional, and spatial information, amino acid conservation, physicochemical variation, residue mobility, and thermodynamic stability) performed at Invitae indicates that this missense variant is expected to disrupt RYR2 protein function. This missense change has been observed in individual(s) with clinical features of RYR2-related conditions (PMID: 31737537).

Literature cited by the submitters: PubMed 29453246 (cited by Dasa); PubMed 30546525 (cited by Dasa); PubMed 32218223 (cited by Dasa); PubMed 31737537 (cited by Dasa and Labcorp Genetics (formerly Invitae), Labcorp).